The following is an entry in ClinVar:

ClinVar aggregate classification (germline): Conflicting classifications of pathogenicity. Review status: criteria provided, conflicting classifications (1 of 4 stars). 2 submissions from 2 submitters: Likely pathogenic (1); Uncertain significance (1). Last evaluated 2022-04-26.

Conditions:
FRONTOTEMPORAL LOBAR DEGENERATION WITH TDP43 INCLUSIONS, TARDBP-RELATED. Also called: Frontotemporal lobar degeneration, TARDBP-related. Identifiers: MedGen C3150169, OMIM 612069.
Amyotrophic lateral sclerosis type 10 (ALS10). Also called: AMYOTROPHIC LATERAL SCLEROSIS 10 WITHOUT FRONTOTEMPORAL DEMENTIA AND WITH TDP43 INCLUSIONS; AMYOTROPHIC LATERAL SCLEROSIS 10 WITH OR WITHOUT FRONTOTEMPORAL DEMENTIA AND WITH TDP43 INCLUSIONS; AMYOTROPHIC LATERAL SCLEROSIS 10 WITH OR WITHOUT FRONTOTEMPORAL DEMENTIA; Amyotrophic lateral sclerosis 10, with or without FTD; TARDBP-Related Amyotrophic Lateral Sclerosis-Frontotemporal Dementia. Identifiers: Orphanet 275872, Orphanet 803, MedGen C2677565, MONDO:0012790, OMIM 612069.

Allele frequency attached by ClinVar (database versions not stated): gnomAD exomes below 0.00001; ExAC 0.00001.

Submissions (2):

Labcorp Genetics (formerly Invitae), Labcorp
Classification: Uncertain significance for Amyotrophic lateral sclerosis type 10; FRONTOTEMPORAL LOBAR DEGENERATION WITH TDP43 INCLUSIONS, TARDBP-RELATED. Last evaluated: 2022-04-26. Review status: criteria provided, single submitter. Criteria: Invitae Variant Classification Sherloc (09022015). Collection method: clinical testing. Allele origin: germline.
Comment: This sequence change replaces serine, which is neutral and polar, with leucine, which is neutral and non-polar, at codon 393 of the TARDBP protein (p.Ser393Leu). The frequency data for this variant in the population databases is considered unreliable, as metrics indicate poor data quality at this position in the gnomAD database. This missense change has been observed in individual(s) with amyotrophic lateral sclerosis (PMID: 19224587, 19714537, 21830990, 29630989). Algorithms developed to predict the effect of missense changes on protein structure and function (SIFT, PolyPhen-2, Align-GVGD) all suggest that this variant is likely to be tolerated. In summary, the available evidence is currently insufficient to determine the role of this variant in disease. Therefore, it has been classified as a Variant of Uncertain Significance.

Juno Genomics, Hangzhou Juno Genomics, Inc
Classification: Likely pathogenic for Amyotrophic lateral sclerosis type 10. Review status: criteria provided, single submitter. Criteria: ACMG Guidelines, 2015. Collection method: clinical testing. Allele origin: germline.
Comment: Absent from controls (or at extremely low frequency if recessive) in Genome Aggregation Database.;Multiple lines of computational evidence support a deleterious effect on the gene or gene product.;Missense variant in a gene that has a low rate of benign missense variation.;The prevalence of the variant in affected individuals is significantly increased compared to the prevalence in controls.;Co-segregation with disease in multiple affected family members.

Literature cited by the submitters: PubMed 19224587 (cited by Labcorp Genetics (formerly Invitae), Labcorp); PubMed 19714537 (cited by Labcorp Genetics (formerly Invitae), Labcorp); PubMed 21830990 (cited by Labcorp Genetics (formerly Invitae), Labcorp); PubMed 29630989 (cited by Labcorp Genetics (formerly Invitae), Labcorp).

NM_007375.4(TARDBP):c.1178C>T (p.Ser393Leu)

Gene: TARDBP (TAR DNA binding protein; plus strand). Cytogenetic location: 1p36.22.
Variant type: single nucleotide variant.
Coding change: c.1178C>T on transcript NM_007375.4 (MANE Select); coding-DNA position 1178, C replaced by T.
Protein change: p.Ser393Leu; replaces serine 393 with leucine.
Molecular consequence: missense variant.
Genome position (GRCh38, 1-based): chr1:11,022,587, C>T. VCF-style: chr1-11022587-C-T. GRCh37 (hg19) VCF-style: chr1-11082644-C-T.
Other names: short protein forms S393L.
Identifiers: ClinVar variation 2202700 (VCV002202700.6), dbSNP rs80356743, ClinGen allele CA586497.